The following is an entry in ClinVar:

ClinVar aggregate classification (germline): Likely benign (1 of 4 stars; one submission).

Conditions:
Progressive myoclonic epilepsy type 3. Also called: EPILEPSY, PROGRESSIVE MYOCLONIC, 3, WITH OR WITHOUT INTRACELLULAR INCLUSIONS; CEROID LIPOFUSCINOSIS, NEURONAL, 14; KCTD7-Related Progressive Myoclonic Epilepsy; EPILEPSY, PROGRESSIVE MYOCLONIC, 3, WITHOUT INTRACELLULAR INCLUSIONS. Identifiers: Orphanet 263516, MedGen C2673257, MONDO:0012721, OMIM 611726.

Allele frequency attached by ClinVar (database versions not stated): gnomAD exomes 0.00048; gnomAD 0.00052 and 0.00054; TOPMed 0.00066; 1000 Genomes Project 30x 0.00078; 1000 Genomes Project 0.00080.
gnomAD v4.1: 475 of 985,398 alleles (0.048%); highest among the groups gnomAD compares: Admixed American, 0.18%; 1 homozygote.

Submission:

Illumina Laboratory Services, Illumina
Classification: Likely benign for Progressive myoclonic epilepsy type 3. Last evaluated: 2018-01-13. Review status: criteria provided, single submitter. Criteria: ICSL Variant Classification Criteria 13 December 2019. Collection method: clinical testing. Allele origin: germline.
Comment: This variant was observed in the ICSL laboratory as part of a predisposition screen in an ostensibly healthy population. It had not been previously curated by ICSL or reported in the Human Gene Mutation Database (HGMD: prior to June 1st, 2018), and was therefore a candidate for classification through an automated scoring system. Utilizing variant allele frequency, disease prevalence and penetrance estimates, and inheritance mode, an automated score was calculated to assess if this variant is too frequent to cause the disease. Based on the score and internal cut-off values, a variant classified as likely benign is not then subjected to further curation. The score for this variant resulted in a classification of likely benign for this disease.

NM_153033.5(KCTD7):c.*1839T>C

Gene: KCTD7 (potassium channel tetramerization domain containing 7; plus strand). Cytogenetic location: 7q11.21.
Variant type: single nucleotide variant.
Coding change: c.*1839T>C on transcript NM_153033.5 (MANE Select); 1839 bases downstream of the stop codon, T replaced by C.
Molecular consequence: 3 prime UTR variant.
Genome position (GRCh38, 1-based): chr7:66,641,071, T>C. VCF-style: chr7-66641071-T-C. GRCh37 (hg19) VCF-style: chr7-66106058-T-C.
Other names: c.*677T>C (NM_001167961.2).
Identifiers: ClinVar variation 909049 (VCV000909049.4), dbSNP rs137946765, ClinGen allele CA160220464.